The following is an entry in ClinVar:

ClinVar aggregate classification (germline): Uncertain significance (1 of 4 stars; one submission).

Conditions:
GNAS-related disorder. Identifiers: MedGen CN380105.

Submission:

PreventionGenetics, part of Exact Sciences
Classification: Uncertain significance for GNAS-related condition. Last evaluated: 2026-07-15. Review status: criteria provided, single submitter. Criteria: ACMG Guidelines, 2015. Collection method: clinical testing. Allele origin: germline.
Comment: The GNAS c.961C>G variant is predicted to result in the amino acid substitution p.Pro321Ala. To our knowledge, this variant has not been reported in the literature or in a large population database (gnomAD), indicating this variant is rare. At this time, the clinical significance of this variant is uncertain due to the absence of conclusive functional and genetic evidence.

NM_000516.7(GNAS):c.961C>G (p.Pro321Ala)

Gene: GNAS (GNAS complex locus; plus strand). Cytogenetic location: 20q13.32.
Variant type: single nucleotide variant.
Coding change: c.961C>G on transcript NM_000516.7 (MANE Select); coding-DNA position 961, C replaced by G.
Protein change: p.Pro321Ala; replaces proline 321 with alanine.
Molecular consequence: missense variant. On other transcripts: 3 prime UTR variant (2).
Genome position (GRCh38, 1-based): chr20:58,910,072, C>G. VCF-style: chr20-58910072-C-G. GRCh37 (hg19) VCF-style: chr20-57485127-C-G.
Other names: c.964C>G, p.Pro322Ala (NM_001077488.5); c.916C>G, p.Pro306Ala (NM_001077489.4); c.*822C>G (NM_001077490.3); c.784C>G, p.Pro262Ala (NM_001309840.2, NM_001309861.2, NM_001438276.1 and 1 more transcripts); c.865C>G, p.Pro289Ala (NM_001410912.1); c.2845C>G, p.Pro949Ala (NM_001410913.1); c.739C>G, p.Pro247Ala (NM_001438273.1, NM_001438274.1, NM_001438275.1); c.*867C>G (NM_016592.5); and 2 more; short protein forms P289A, P307A, P247A, P306A, P322A, P964A, P949A, P262A.
Identifiers: ClinVar variation 4992098 (VCV004992098.1).